The following is an entry in ClinVar:

NM_173689.7(CRB2):c.179dup (p.Tyr61fs)

Gene: CRB2 (crumbs cell polarity complex component 2; plus strand). Cytogenetic location: 9q33.3.
Variant type: Duplication.
Coding change: c.179dup on transcript NM_173689.7 (MANE Select); coding-DNA position 179, one base duplicated (G; older notation c.179dupG).
Protein change: p.Tyr61fs; shifts the reading frame from tyrosine 61.
Molecular consequence: frameshift variant.
Genome position (GRCh38, 1-based): chr9:123,362,949, G duplicated; the last of 2 consecutive G bases (chr9:123,362,948-123,362,949); duplicating either gives the same sequence. VCF-style (leftmost placement, unchanged base first): chr9-123362947-T-TG. GRCh37 (hg19) VCF-style: chr9-126125226-T-TG.
Other names: short protein forms Y61fs.
Identifiers: ClinVar variation 5019095 (VCV005019095.2).

ClinVar aggregate classification (germline): Likely pathogenic (1 of 4 stars; one submission).

Conditions:
Focal segmental glomerulosclerosis 9 (FSGS9). Identifiers: Orphanet 656, MedGen C4015555, MONDO:0014539, OMIM 616220.
Ventriculomegaly-cystic kidney disease. Also called: Ventriculomegaly with cystic kidney disease. Identifiers: Orphanet 443988, MedGen C1857423, MONDO:0009063, OMIM 219730.

Submission:

Juno Genomics, Hangzhou Juno Genomics, Inc
Classification: Likely pathogenic for Ventriculomegaly-cystic kidney disease; Focal segmental glomerulosclerosis 9. Review status: criteria provided, single submitter. Criteria: ACMG Guidelines, 2015. Collection method: clinical testing. Allele origin: germline.
Comment: Absent from controls (or at extremely low frequency if recessive) in Genome Aggregation Database.;Null variant in a gene where loss of function (LOF) is a known mechanism of disease.